The following is an entry in ClinVar:

NM_001378778.1(MPDZ):c.4558G>T (p.Asp1520Tyr)

Gene: MPDZ (multiple PDZ domain crumbs cell polarity complex component; minus strand). Cytogenetic location: 9p23.
Variant type: single nucleotide variant.
Coding change: c.4558G>T on transcript NM_001378778.1 (MANE Select); coding-DNA position 4558, G replaced by T.
Protein change: p.Asp1520Tyr; replaces aspartic acid 1520 with tyrosine.
Molecular consequence: missense variant.
Genome position (GRCh38, 1-based): chr9:13,126,590, C>A on the plus strand (G>T on the coding strand, the complement: MPDZ is on the minus strand). VCF-style: chr9-13126590-C-A. GRCh37 (hg19) VCF-style: chr9-13126589-C-A.
Other names: c.4459G>T, p.Asp1487Tyr (NM_001261406.2, NM_001261407.2, NM_001375416.1 and 3 more transcripts); c.4558G>T, p.Asp1520Tyr (NM_001330637.2, NM_003829.5); c.4657G>T, p.Asp1553Tyr (NM_001375413.1); c.4348G>T, p.Asp1450Tyr (NM_001375420.1, NM_001375421.1, NM_001375422.1 and 4 more transcripts); c.4150G>T, p.Asp1384Tyr (NM_001375427.1); c.4558G>T (NM_003829.3); short protein forms D1487Y, D1520Y, D1553Y, D1450Y, D1384Y.
Identifiers: ClinVar variation 1413156 (VCV001413156.7), dbSNP rs199839402, ClinGen allele CA4986642.
Genomic context (GRCh38, chr9:13,126,590, plus strand): 5'-AACCAACAACAATTTCATCATCTACAGCCAGTATCTGATCTCCGACTTTGAGTCGTCCAT[C>A]CTAAATGGAAACGTAGAAGAATTTGAGTGATATTCCAAAAGTAATTCCCTCCCCAACTAC-3'
Protein context (NP_001365707.1, residues 1510-1530): SLTEHGVAAT[Asp1520Tyr]GRLKVGDQIL

ClinVar aggregate classification (germline): Uncertain significance. Review status: criteria provided, multiple submitters, no conflicts (2 of 4 stars). 2 submissions from 2 submitters: Uncertain significance (2). Last evaluated 2024-03-18.

Conditions:
Inborn genetic diseases. Identifiers: MedGen C0950123, MeSH D030342.

Allele frequency attached by ClinVar (database versions not stated): ExAC 0.00002.
gnomAD v4.1: 34 of 1,604,940 alleles (0.0021%); highest among the groups gnomAD compares: Non-Finnish European, 0.0027%; no homozygotes.

Submissions (2):

Ambry Genetics
Classification: Uncertain significance for Inborn genetic diseases. Last evaluated: 2024-03-18. Review status: criteria provided, single submitter. Criteria: Ambry Variant Classification Scheme 2023. Collection method: clinical testing. Allele origin: germline.

Labcorp Genetics (formerly Invitae), Labcorp
Classification: Uncertain significance. Last evaluated: 2022-09-12. Review status: criteria provided, single submitter. Criteria: Invitae Variant Classification Sherloc (09022015). Collection method: clinical testing. Allele origin: germline.
Comment: ClinVar contains an entry for this variant (Variation ID: 1413156). This variant has not been reported in the literature in individuals affected with MPDZ-related conditions. This variant is present in population databases (rs199839402, gnomAD 0.004%). This sequence change replaces aspartic acid, which is acidic and polar, with tyrosine, which is neutral and polar, at codon 1520 of the MPDZ protein (p.Asp1520Tyr). Algorithms developed to predict the effect of missense changes on protein structure and function (SIFT, PolyPhen-2, Align-GVGD) all suggest that this variant is likely to be disruptive. In summary, the available evidence is currently insufficient to determine the role of this variant in disease. Therefore, it has been classified as a Variant of Uncertain Significance. Algorithms developed to predict the effect of sequence changes on RNA splicing suggest that this variant may disrupt the consensus splice site.